The following is an entry in ClinVar:

NM_031935.3(HMCN1):c.9142T>C (p.Phe3048Leu)

Gene: HMCN1 (hemicentin 1; plus strand). Cytogenetic location: 1q31.1.
Variant type: single nucleotide variant.
Coding change: c.9142T>C on transcript NM_031935.3 (MANE Select); coding-DNA position 9142, T replaced by C.
Protein change: p.Phe3048Leu; replaces phenylalanine 3048 with leucine.
Molecular consequence: missense variant.
Genome position (GRCh38, 1-based): chr1:186,087,312, T>C. VCF-style: chr1-186087312-T-C. GRCh37 (hg19) VCF-style: chr1-186056444-T-C.
Other names: short protein forms F3048L.
Identifiers: ClinVar variation 1942545 (VCV001942545.5), dbSNP rs749230562, ClinGen allele CA1293330.

ClinVar aggregate classification (germline): Uncertain significance (1 of 4 stars; one submission).

Allele frequency attached by ClinVar (database versions not stated): gnomAD exomes below 0.00001; ExAC 0.00001; TOPMed 0.00001.
gnomAD v4.1: 5 of 1,612,676 alleles (0.00031%); highest among the groups gnomAD compares: Non-Finnish European, 0.00034%; no homozygotes.

Submission:

Labcorp Genetics (formerly Invitae), Labcorp
Classification: Uncertain significance. Last evaluated: 2025-09-02. Review status: criteria provided, single submitter. Criteria: Invitae Variant Classification Sherloc (09022015). Collection method: clinical testing. Allele origin: germline.
Comment: This sequence change replaces phenylalanine, which is neutral and non-polar, with leucine, which is neutral and non-polar, at codon 3048 of the HMCN1 protein (p.Phe3048Leu). This variant is present in population databases (rs749230562, gnomAD 0.003%). This variant has not been reported in the literature in individuals affected with HMCN1-related conditions. ClinVar contains an entry for this variant (Variation ID: 1942545). An algorithm developed to predict the effect of missense changes on protein structure and function (PolyPhen-2) suggests that this variant is likely to be tolerated. In summary, the available evidence is currently insufficient to determine the role of this variant in disease. Therefore, it has been classified as a Variant of Uncertain Significance.